The following is an entry in ClinVar:

ClinVar aggregate classification (germline): Uncertain significance (1 of 4 stars; one submission).

Conditions:
Hereditary cancer-predisposing syndrome. Also called: Hereditary Cancer Syndrome; Hereditary neoplastic syndrome; Neoplastic Syndromes, Hereditary; Tumor predisposition. Identifiers: Orphanet 140162, MedGen C0027672, MeSH D009386, MONDO:0015356.

Submission:

Ambry Genetics
Classification: Uncertain significance for Hereditary cancer-predisposing syndrome. Last evaluated: 2026-09-11. Review status: criteria provided, single submitter. Criteria: Ambry Variant Classification Scheme 2023. Collection method: clinical testing. Allele origin: germline.
Comment: The p.L744F variant (also known as c.2230C>T), located in coding exon 14 of the PTCH1 gene, results from a C to T substitution at nucleotide position 2230. The leucine at codon 744 is replaced by phenylalanine, an amino acid with highly similar properties. This amino acid position is highly conserved in available vertebrate species. In addition, this alteration is predicted to be deleterious by in silico analysis. Based on the available evidence, the clinical significance of this variant remains unclear.

NM_000264.5(PTCH1):c.2230C>T (p.Leu744Phe)

Genes: PTCH1 (patched 1; minus strand), LOC100507346 (uncharacterized LOC100507346; plus strand). Cytogenetic location: 9q22.32.
Variant type: single nucleotide variant.
Coding change: c.2230C>T on transcript NM_000264.5 (MANE Select); coding-DNA position 2230, C replaced by T.
Protein change: p.Leu744Phe; replaces leucine 744 with phenylalanine.
Molecular consequence: missense variant. On other transcripts: non-coding transcript variant (2).
Genome position (GRCh38, 1-based): chr9:95,468,771, G>A on the plus strand (C>T on the coding strand, the complement: PTCH1 is on the minus strand). VCF-style: chr9-95468771-G-A. GRCh37 (hg19) VCF-style: chr9-98231053-G-A.
Other names: c.2032C>T, p.Leu678Phe (NM_001083602.3); c.2227C>T, p.Leu743Phe (NM_001083603.3); c.1777C>T, p.Leu593Phe (NM_001083604.3, NM_001083605.3, NM_001083606.3 and 1 more transcripts); c.2074C>T, p.Leu692Phe (NM_001354918.2); short protein forms L678F, L593F, L692F, L743F, L744F.
Identifiers: ClinVar variation 1788102 (VCV001788102.3), dbSNP rs2118023503, ClinGen allele CA374115230.